The following is an entry in ClinVar:

ClinVar aggregate classification (germline): Uncertain significance (1 of 4 stars; one submission).

Submission:

Labcorp Genetics (formerly Invitae), Labcorp
Classification: Uncertain significance. Last evaluated: 2020-04-11. Review status: criteria provided, single submitter. Criteria: Invitae Variant Classification Sherloc (09022015). Collection method: clinical testing. Allele origin: germline.
Comment: This sequence change replaces alanine with threonine at codon 200 of the ARSG protein (p.Ala200Thr). The alanine residue is moderately conserved and there is a small physicochemical difference between alanine and threonine. This variant is not present in population databases (ExAC no frequency). This variant has not been reported in the literature in individuals with ARSG-related conditions. Algorithms developed to predict the effect of missense changes on protein structure and function are either unavailable or do not agree on the potential impact of this missense change (SIFT: "Deleterious"; PolyPhen-2: "Possibly Damaging"; Align-GVGD: "Class C0"). In summary, the available evidence is currently insufficient to determine the role of this variant in disease. Therefore, it has been classified as a Variant of Uncertain Significance.

NM_001267727.2(ARSG):c.598G>A (p.Ala200Thr)

Gene: ARSG (arylsulfatase G; plus strand). Cytogenetic location: 17q24.2.
Variant type: single nucleotide variant.
Coding change: c.598G>A on transcript NM_001267727.2 (MANE Select); coding-DNA position 598, G replaced by A.
Protein change: p.Ala200Thr; replaces alanine 200 with threonine.
Molecular consequence: missense variant.
Genome position (GRCh38, 1-based): chr17:68,356,698, G>A. VCF-style: chr17-68356698-G-A. GRCh37 (hg19) VCF-style: chr17-66352839-G-A.
Other names: c.598G>A, p.Ala200Thr (NM_001352899.2, NM_001352900.2, NM_001352901.2 and 8 more transcripts); c.550G>A, p.Ala184Thr (NM_001352909.2); short protein forms A184T, A200T.
Identifiers: ClinVar variation 1061911 (VCV001061911.9), dbSNP rs2146490570, ClinGen allele CA400743133.